The following is an entry in ClinVar:

ClinVar aggregate classification (germline): Pathogenic/Likely pathogenic. Review status: criteria provided, multiple submitters, no conflicts (2 of 4 stars). 7 submissions from 7 submitters: Pathogenic (4); Likely pathogenic (1). 2 of the submissions do not count toward it. Last evaluated 2025-09-01.

Conditions:
MRPL44-related disorders.
Infantile hypertrophic cardiomyopathy due to MRPL44 deficiency. Also called: Combined oxidative phosphorylation deficiency 16. Identifiers: Orphanet 352563, MedGen C3809339, MONDO:0014162, OMIM 615395.

Allele frequency attached by ClinVar (database versions not stated): ESP Exome Variant Server 0.00023; TOPMed 0.00018.
gnomAD v4.1: 546 of 1,614,086 alleles (0.034%); highest among the groups gnomAD compares: Non-Finnish European, 0.044%; no homozygotes.

Submissions (7):

Labcorp Genetics (formerly Invitae), Labcorp
Classification: Pathogenic. Last evaluated: 2025-09-01. Review status: criteria provided, single submitter. Criteria: Invitae Variant Classification Sherloc (09022015). Collection method: clinical testing. Allele origin: germline.
Comment: This sequence change replaces leucine, which is neutral and non-polar, with arginine, which is basic and polar, at codon 156 of the MRPL44 protein (p.Leu156Arg). This variant is present in population databases (rs143697995, gnomAD 0.04%). This missense change has been observed in individuals with combined oxidative phosphorylation deficiency (PMID: 23315540, 25797485). It has also been observed to segregate with disease in related individuals. ClinVar contains an entry for this variant (Variation ID: 64624). Invitae Evidence Modeling of protein sequence and biophysical properties (such as structural, functional, and spatial information, amino acid conservation, physicochemical variation, residue mobility, and thermodynamic stability) indicates that this missense variant is not expected to disrupt MRPL44 protein function with a negative predictive value of 80%. Studies have shown that this missense change alters MRPL44 gene expression (PMID: 23315540). For these reasons, this variant has been classified as Pathogenic.

GeneDx
Classification: Pathogenic. Last evaluated: 2025-03-05. Review status: criteria provided, single submitter. Criteria: GeneDx Variant Classification Process June 2021. Collection method: clinical testing. Allele origin: germline. Affected: yes.
Comment: Published functional studies demonstrate a severe reduction of MRPL44 protein levels in patient fibroblasts and altered assembly of the large ribosomal subunit and stability of 16S rRNA with complex IV deficiency, which is rescued by retroviral expression of wild-type MRPL44 (PMID: 23315540); In silico analysis supports that this missense variant has a deleterious effect on protein structure/function; This variant is associated with the following publications: (PMID: 23315540, 25326637, 25797485, 34426522, 33742325, 34140213, 34758253, 26001801, 34277617, 33742171, 35772644, 34732400, 26968897, 33726816, 38950860, 37628588, 38020895)

Blueprint Genetics
Classification: Pathogenic for MRPL44-related disorders. Last evaluated: 2024-06-13. Review status: criteria provided, single submitter. Criteria: ACMG Guidelines, 2015. Collection method: clinical testing. Allele origin: germline. Affected: yes. Observed: 5 variant alleles.

Women's Health and Genetics/Laboratory Corporation of America, LabCorp
Classification: Pathogenic for Infantile hypertrophic cardiomyopathy due to MRPL44 deficiency. Last evaluated: 2022-02-10. Review status: criteria provided, single submitter. Criteria: LabCorp Variant Classification Summary - May 2015. Collection method: clinical testing. Allele origin: germline.
Comment: Variant summary: MRPL44 c.467T>G (p.Leu156Arg) results in a non-conservative amino acid change in the encoded protein sequence. Three of five in-silico tools predict a damaging effect of the variant on protein function. The variant allele was found at a frequency of 0.00022 in 251422 control chromosomes. c.467T>G has been reported in the literature in multiple individuals. The variant has been reported in the homozygous state in siblings with hypertrophic cardiomyopathy as a leading symptom and combined respiratory complex I and IV deficiency in heart tissue and isolated complex IV deficiency in fibroblasts (Carroll_2013), in a patient with mitochondrial myopathy with second allele not specified (Florian_2015), in patients with hypertrophic cardiomyopathy and additional neurological clinical features (Distelmaier_2015), and in a patient with mitochondrial disease without other mutations in mtDNA (Legati_2016). These data indicate that the variant is very likely to be associated with disease. Experimental evidence demonstrates a damaging effect of the variant including a severe reduction of MRPL44 protein levels in patient fibroblasts and altered assembly of the large ribosomal subunit and stability of 16S rRNA with complex IV deficiency, which is rescued by retroviral expression of wild-type MRPL44 (Carroll_2013). Two clinical diagnostic laboratories have submitted clinical-significance assessments for this variant to ClinVar after 2014 without evidence for independent evaluation. All laboratories classified the variant as pathogenic/likely pathogenic. Based on the evidence outlined above, the variant was classified as pathogenic.

UCLA Clinical Genomics Center, UCLA
Classification: Likely pathogenic for Combined oxidative phosphorylation deficiency 16. Last evaluated: 2014-04-29. Review status: criteria provided, single submitter. Criteria: Lee et al. (JAMA. 2014). Collection method: clinical testing. Allele origin: germline. Inheritance: Autosomal recessive inheritance. Affected: yes. Study: CES.

OMIM
Classification: Pathogenic for COMBINED OXIDATIVE PHOSPHORYLATION DEFICIENCY 16. Last evaluated: 2013-03-01. Review status: no assertion criteria provided. Collection method: literature only. Allele origin: germline. Not counted in ClinVar's aggregate classification.

Genomics England Pilot Project, Genomics England
Classification: Likely pathogenic for Infantile hypertrophic cardiomyopathy due to MRPL44 deficiency. Review status: no assertion criteria provided. Criteria: ACGS Guidelines, 2016. Collection method: clinical testing. Allele origin: germline. Affected: yes. Not counted in ClinVar's aggregate classification.

Literature cited by the submitters: PubMed 23315540 (cited by 3 submitters); PubMed 25797485 (cited by 3 submitters); PubMed 33726816 (cited by Women's Health and Genetics/Laboratory Corporation of America, LabCorp); PubMed 26001801 (cited by Women's Health and Genetics/Laboratory Corporation of America, LabCorp); PubMed 26968897 (cited by Women's Health and Genetics/Laboratory Corporation of America, LabCorp); PubMed 34140213 (cited by OMIM).

NM_022915.5(MRPL44):c.467T>G (p.Leu156Arg)

Gene: MRPL44 (mitochondrial ribosomal protein L44; plus strand). Cytogenetic location: 2q36.1.
Variant type: single nucleotide variant.
Coding change: c.467T>G on transcript NM_022915.5 (MANE Select); coding-DNA position 467, T replaced by G.
Protein change: p.Leu156Arg; replaces leucine 156 with arginine.
Molecular consequence: missense variant.
Genome position (GRCh38, 1-based): chr2:223,959,821, T>G. VCF-style: chr2-223959821-T-G. GRCh37 (hg19) VCF-style: chr2-224824538-T-G.
Other names: p.L156R:CTT>CGT; short protein forms L156R.
Identifiers: ClinVar variation 64624 (VCV000064624.21), dbSNP rs143697995, ClinGen allele CA144708.
Genomic context (GRCh38, chr2:223,959,821, plus strand): 5'-GCCTTACACAGTTTCTTGAAGACGAGTACCCAGACATGCCCACTGAAGGCATAAAAAATC[T>G]TGTTGACTTTCTCACTGGTGAGGAAGTCGTGTGTCACGTGGCTAGAAACTTGGCTGTGGA-3'
Protein context (NP_075066.1, residues 146-166): PDMPTEGIKN[Leu156Arg]VDFLTGEEVV